The following is an entry in ClinVar:

ClinVar aggregate classification (germline): Uncertain significance (1 of 4 stars; one submission).

Conditions:
Early-infantile DEE. Also called: Early infantile epileptic encephalopathy; Early infantile epileptic encephalopathy with suppression bursts; Ohtahara syndrome. Identifiers: Orphanet 1934, MedGen C0393706, MONDO:0800491.

Allele frequency attached by ClinVar (database versions not stated): TOPMed below 0.00001; gnomAD 0.00001 and 0.00002.
gnomAD v4.1: 3 of 1,614,134 alleles (0.00019%); highest among the groups gnomAD compares: East Asian, 0.0067%; no homozygotes.

Submission:

Labcorp Genetics (formerly Invitae), Labcorp
Classification: Uncertain significance for Early-infantile DEE. Last evaluated: 2023-06-09. Review status: criteria provided, single submitter. Criteria: Invitae Variant Classification Sherloc (09022015). Collection method: clinical testing. Allele origin: germline.
Comment: In summary, the available evidence is currently insufficient to determine the role of this variant in disease. Therefore, it has been classified as a Variant of Uncertain Significance. Algorithms developed to predict the effect of sequence changes on RNA splicing suggest that this variant may create or strengthen a splice site. An algorithm developed to predict the effect of missense changes on protein structure and function (PolyPhen-2) suggests that this variant is likely to be tolerated. ClinVar contains an entry for this variant (Variation ID: 530504). This variant has not been reported in the literature in individuals affected with SPTAN1-related conditions. This variant is not present in population databases (gnomAD no frequency). This sequence change replaces glycine, which is neutral and non-polar, with serine, which is neutral and polar, at codon 1827 of the SPTAN1 protein (p.Gly1827Ser).

NM_001130438.3(SPTAN1):c.5479G>A (p.Gly1827Ser)

Gene: SPTAN1 (spectrin alpha, non-erythrocytic 1; plus strand). Cytogenetic location: 9q34.11.
Variant type: single nucleotide variant.
Coding change: c.5479G>A on transcript NM_001130438.3 (MANE Select); coding-DNA position 5479, G replaced by A.
Protein change: p.Gly1827Ser; replaces glycine 1827 with serine.
Molecular consequence: missense variant.
Genome position (GRCh38, 1-based): chr9:128,617,987, G>A. VCF-style: chr9-128617987-G-A. GRCh37 (hg19) VCF-style: chr9-131380266-G-A.
Other names: c.5404G>A, p.Gly1802Ser (NM_001195532.2); c.5479G>A, p.Gly1827Ser (NM_001363759.2); c.5419G>A, p.Gly1807Ser (NM_001363765.2); c.5464G>A, p.Gly1822Ser (NM_003127.4); short protein forms G1827S, G1822S, G1802S, G1807S.
Identifiers: ClinVar variation 530504 (VCV000530504.9), dbSNP rs1287628912, ClinGen allele CA375076750.